The following is an entry in ClinVar:

ClinVar aggregate classification (germline): Benign. Review status: criteria provided, multiple submitters, no conflicts (2 of 4 stars). 5 submissions from 5 submitters: Benign (5). Last evaluated 2025-03-04.

Conditions:
Pheochromocytoma/paraganglioma syndrome 3. Also called: Paragangliomas 3; SDHC-Related Hereditary Paraganglioma-Pheochromocytoma Syndrome (Paragangliomas 3); SDHC-Related Hereditary Paraganglioma-Pheochromocytoma Syndrome; GLOMUS TUMORS, FAMILIAL, 3. Identifiers: Orphanet 29072, MedGen C1854336, MONDO:0011544, OMIM 605373.

Allele frequency attached by ClinVar (database versions not stated): gnomAD exomes 0.00392; ExAC 0.00464; gnomAD 0.01281 and 0.01342; ESP Exome Variant Server 0.01399; TOPMed 0.01486; 1000 Genomes Project 0.01817; 1000 Genomes Project 30x 0.02014.

Submissions (5):

Center for Genomic Medicine, Rigshospitalet, Copenhagen University Hospital
Classification: Benign. Last evaluated: 2025-03-04. Review status: criteria provided, single submitter. Criteria: ACMG Guidelines, 2015. Collection method: clinical testing. Allele origin: germline.

KCCC/NGS Laboratory, Kuwait Cancer Control Center
Classification: Benign for Pheochromocytoma/paraganglioma syndrome 3. Last evaluated: 2023-07-07. Review status: criteria provided, single submitter. Criteria: ACMG Guidelines, 2015. Collection method: clinical testing. Allele origin: germline. Affected: yes.

ARUP Laboratories, Molecular Genetics and Genomics, ARUP Laboratories
Classification: Benign. Last evaluated: 2019-07-22. Review status: criteria provided, single submitter. Criteria: ARUP Molecular Germline Variant Investigation Process. Collection method: clinical testing. Allele origin: germline.

GeneDx
Classification: Benign. Last evaluated: 2016-06-01. Review status: criteria provided, single submitter. Criteria: GeneDx Variant Classification (06012015). Collection method: clinical testing. Allele origin: germline. Affected: yes.
Comment: This variant is considered likely benign or benign based on one or more of the following criteria: it is a conservative change, it occurs at a poorly conserved position in the protein, it is predicted to be benign by multiple in silico algorithms, and/or has population frequency not consistent with disease.

Breakthrough Genomics
Classification: Benign. Review status: criteria provided, single submitter. Criteria: ACMG Guidelines, 2015. Collection method: not provided. Allele origin: germline. Inheritance: Autosomal dominant inheritance. Affected: yes.

NM_003001.5(SDHC):c.-32T>C

Gene: SDHC (succinate dehydrogenase complex subunit C; plus strand). Cytogenetic location: 1q23.3.
Variant type: single nucleotide variant.
Coding change: c.-32T>C on transcript NM_003001.5 (MANE Select); 32 bases upstream of the start codon, T replaced by C.
Genome position (GRCh38, 1-based): chr1:161,314,374, T>C. VCF-style: chr1-161314374-T-C. GRCh37 (hg19) VCF-style: chr1-161284164-T-C.
Identifiers: ClinVar variation 368838 (VCV000368838.20), dbSNP rs115782155, ClinGen allele CA089450.